The following is an entry in ClinVar:

ClinVar aggregate classification (germline): Likely pathogenic (1 of 4 stars; one submission).

Conditions:
TTC21B-related disorder. Also called: TTC21B-related disorders; TTC21B-related condition.

Submission:

PreventionGenetics, part of Exact Sciences
Classification: Likely pathogenic for TTC21B-related condition. Last evaluated: 2025-04-23. Review status: criteria provided, single submitter. Criteria: ACMG Guidelines, 2015. Collection method: clinical testing. Allele origin: germline.
Comment: The TTC21B c.3684+1G>T variant is predicted to disrupt the GT donor site and interfere with normal splicing. To our knowledge, this variant has not been reported in the literature or in a large population database (gnomAD), indicating this variant is rare. Variants that disrupt the consensus splice donor site in TTC21B are expected to be pathogenic. This variant is interpreted as likely pathogenic.

NM_024753.5(TTC21B):c.3684+1G>T

Gene: TTC21B (tetratricopeptide repeat domain 21B; minus strand). Cytogenetic location: 2q24.3.
Variant type: single nucleotide variant.
Coding change: c.3684+1G>T on transcript NM_024753.5 (MANE Select); the canonical splice donor site of the intron after coding-DNA position 3684, G replaced by T.
Molecular consequence: splice donor variant.
Genome position (GRCh38, 1-based): chr2:165,883,793, C>A on the plus strand (G>T on the coding strand, the complement: TTC21B is on the minus strand). VCF-style: chr2-165883793-C-A. GRCh37 (hg19) VCF-style: chr2-166740303-C-A.
Identifiers: ClinVar variation 5000534 (VCV005000534.1).